The following is an entry in ClinVar:

ClinVar aggregate classification (germline): Likely benign. Review status: criteria provided, multiple submitters, no conflicts (2 of 4 stars). 4 submissions from 4 submitters: Likely benign (3). 1 of the submissions does not count toward it. Last evaluated 2026-01-28.

Conditions:
Congenital adrenal insufficiency with 46, XY sex reversal OR 46,XY disorder of sex development-adrenal insufficiency due to CYP11A1 deficiency. Also called: Congenital adrenal insuffiency with 46, XY sex reversal OR 46,XY disorder of sex development-adrenal insufficiency due to CYP11A1 deficiency; P450scc DEFICIENCY. Identifiers: Orphanet 168558, MedGen C3151055, MONDO:0013400, OMIM 613743.
CYP11A1-related disorder. Also called: CYP11A1-related condition.

Allele frequency attached by ClinVar (database versions not stated): 1000 Genomes Project 30x 0.00031; 1000 Genomes Project 0.00040; TOPMed 0.00099; ESP Exome Variant Server 0.00116; gnomAD exomes 0.00131 and 0.00158; gnomAD 0.00132 and 0.00136; ExAC 0.00209.
gnomAD v4.1: 2,120 of 1,613,888 alleles (0.13%); highest among the groups gnomAD compares: Non-Finnish European, 0.16%; 3 homozygotes.

Submissions (4):

Labcorp Genetics (formerly Invitae), Labcorp
Classification: Likely benign. Last evaluated: 2026-01-28. Review status: criteria provided, single submitter. Criteria: Invitae Variant Classification Sherloc (09022015). Collection method: clinical testing. Allele origin: germline.

Illumina Laboratory Services, Illumina
Classification: Likely benign for Congenital adrenal insufficiency with 46, XY sex reversal OR 46,XY disorder of sex development-adrenal insufficiency due to CYP11A1 deficiency. Last evaluated: 2018-01-12. Review status: criteria provided, single submitter. Criteria: ICSL Variant Classification Criteria 13 December 2019. Collection method: clinical testing. Allele origin: germline.
Comment: This variant was observed in the ICSL laboratory as part of a predisposition screen in an ostensibly healthy population. It had not been previously curated by ICSL or reported in the Human Gene Mutation Database (HGMD: prior to June 1st, 2018), and was therefore a candidate for classification through an automated scoring system. Utilizing variant allele frequency, disease prevalence and penetrance estimates, and inheritance mode, an automated score was calculated to assess if this variant is too frequent to cause the disease. Based on the score and internal cut-off values, a variant classified as likely benign is not then subjected to further curation. The score for this variant resulted in a classification of likely benign for this disease.

Genetic Services Laboratory, University of Chicago
Classification: Likely benign. Last evaluated: 2016-11-04. Review status: criteria provided, single submitter. Criteria: ACMG Guidelines, 2015. Collection method: clinical testing. Allele origin: germline. Affected: no.

PreventionGenetics, part of Exact Sciences
Classification: Likely benign for CYP11A1-related condition. Last evaluated: 2022-02-03. Review status: no assertion criteria provided. Collection method: clinical testing. Allele origin: germline. Not counted in ClinVar's aggregate classification.
Comment: This variant is classified as likely benign based on ACMG/AMP sequence variant interpretation guidelines (Richards et al. 2015 PMID: 25741868, with internal and published modifications).

NM_000781.3(CYP11A1):c.650A>C (p.Glu217Ala)

Gene: CYP11A1 (cytochrome P450 family 11 subfamily A member 1; minus strand). Cytogenetic location: 15q24.1.
Variant type: single nucleotide variant.
Coding change: c.650A>C on transcript NM_000781.3 (MANE Select); coding-DNA position 650, A replaced by C.
Protein change: p.Glu217Ala; replaces glutamic acid 217 with alanine.
Molecular consequence: missense variant.
Genome position (GRCh38, 1-based): chr15:74,343,968, T>G on the plus strand (A>C on the coding strand, the complement: CYP11A1 is on the minus strand). VCF-style: chr15-74343968-T-G. GRCh37 (hg19) VCF-style: chr15-74636309-T-G.
Other names: c.176A>C, p.Glu59Ala (NM_001099773.2); short protein forms E217A, E59A.
Identifiers: ClinVar variation 434877 (VCV000434877.19), dbSNP rs143879080, ClinGen allele CA7656499.